The following is an entry in ClinVar:

ClinVar aggregate classification (germline): Uncertain significance (1 of 4 stars; one submission).

gnomAD v4.1: 2 of 1,589,370 alleles (0.00013%); highest among the groups gnomAD compares: African/African-American, 0.0013%; no homozygotes.

Submission:

GeneDx
Classification: Uncertain significance. Last evaluated: 2025-04-03. Review status: criteria provided, single submitter. Criteria: GeneDx Variant Classification Process June 2021. Collection method: clinical testing. Allele origin: germline. Affected: yes.
Comment: In silico analysis indicates that this missense variant does not alter protein structure/function; Has not been previously published as pathogenic or benign to our knowledge; Occurs in the triple helical domain at the X position in the canonical Gly-X-Y repeat; although this variant may have an effect on normal protein folding and function, missense substitution at the X position is not a common mechanism of disease (HGMD)

NM_001844.5(COL2A1):c.1945C>A (p.Pro649Thr)

Gene: COL2A1 (collagen type II alpha 1 chain; minus strand). Cytogenetic location: 12q13.11.
Variant type: single nucleotide variant.
Coding change: c.1945C>A on transcript NM_001844.5 (MANE Select); coding-DNA position 1945, C replaced by A.
Protein change: p.Pro649Thr; replaces proline 649 with threonine.
Molecular consequence: missense variant.
Genome position (GRCh38, 1-based): chr12:47,983,733, G>T on the plus strand (C>A on the coding strand, the complement: COL2A1 is on the minus strand). VCF-style: chr12-47983733-G-T. GRCh37 (hg19) VCF-style: chr12-48377516-G-T.
Other names: c.1738C>A, p.Pro580Thr (NM_033150.3); short protein forms P580T, P649T.
Identifiers: ClinVar variation 4278677 (VCV004278677.1).